The following is an entry in ClinVar:

ClinVar aggregate classification (germline): Uncertain significance. Review status: criteria provided, multiple submitters, no conflicts (2 of 4 stars). 2 submissions from 2 submitters: Uncertain significance (2). Last evaluated 2024-09-01.

gnomAD v4.1: 18 of 1,613,312 alleles (0.0011%); highest among the groups gnomAD compares: Non-Finnish European, 0.0014%; no homozygotes.

Submissions (2):

CeGaT Center for Human Genetics Tuebingen
Classification: Uncertain significance. Last evaluated: 2024-09-01. Review status: criteria provided, single submitter. Criteria: CeGaT Center For Human Genetics Tuebingen Variant Classification Criteria Version 2. Collection method: clinical testing. Allele origin: germline. Affected: yes. Observed: 1 variant allele.
Comment: SLC1A2: PM2

Labcorp Genetics (formerly Invitae), Labcorp
Classification: Uncertain significance. Last evaluated: 2024-03-19. Review status: criteria provided, single submitter. Criteria: Invitae Variant Classification Sherloc (09022015). Collection method: clinical testing. Allele origin: germline.
Comment: This sequence change replaces isoleucine, which is neutral and non-polar, with threonine, which is neutral and polar, at codon 504 of the SLC1A2 protein (p.Ile504Thr). This variant is present in population databases (rs376729426, gnomAD 0.0009%). This variant has not been reported in the literature in individuals affected with SLC1A2-related conditions. Advanced modeling of protein sequence and biophysical properties (such as structural, functional, and spatial information, amino acid conservation, physicochemical variation, residue mobility, and thermodynamic stability) performed at Invitae indicates that this missense variant is not expected to disrupt SLC1A2 protein function with a negative predictive value of 80%. In summary, the available evidence is currently insufficient to determine the role of this variant in disease. Therefore, it has been classified as a Variant of Uncertain Significance.

NM_004171.4(SLC1A2):c.1511T>C (p.Ile504Thr)

Gene: SLC1A2 (solute carrier family 1 member 2; minus strand). Cytogenetic location: 11p13.
Variant type: single nucleotide variant.
Coding change: c.1511T>C on transcript NM_004171.4 (MANE Select); coding-DNA position 1511, T replaced by C.
Protein change: p.Ile504Thr; replaces isoleucine 504 with threonine.
Molecular consequence: missense variant.
Genome position (GRCh38, 1-based): chr11:35,265,669, A>G on the plus strand (T>C on the coding strand, the complement: SLC1A2 is on the minus strand). VCF-style: chr11-35265669-A-G. GRCh37 (hg19) VCF-style: chr11-35287216-A-G.
Other names: c.1484T>C, p.Ile495Thr (NM_001195728.3, NM_001252652.2); short protein forms I495T, I504T.
Identifiers: ClinVar variation 3389237 (VCV003389237.16).